The following is an entry in ClinVar:

ClinVar aggregate classification (germline): Uncertain significance. Review status: criteria provided, multiple submitters, no conflicts (2 of 4 stars). 3 submissions from 3 submitters: Uncertain significance (3). Last evaluated 2025-01-01.

Conditions:
Cardiomyopathy (CMYO). Also called: Cardiomyopathies. Identifiers: Orphanet 167848, MedGen C0878544, MONDO:0004994, HP:0001638. Inheritance: Various modes of inheritance.
Cardiovascular phenotype. Identifiers: MedGen CN230736.
Arrhythmogenic right ventricular dysplasia 5. Also called: Arrhythmogenic Right Ventricular Dysplasia/Cardiomyopathy 5; ARRHYTHMOGENIC RIGHT VENTRICULAR DYSPLASIA, FAMILIAL, 5. Identifiers: MedGen C1858379, MONDO:0011459, OMIM 604400.

Submissions (3):

Labcorp Genetics (formerly Invitae), Labcorp
Classification: Uncertain significance for Arrhythmogenic right ventricular dysplasia 5. Last evaluated: 2025-01-01. Review status: criteria provided, single submitter. Criteria: Invitae Variant Classification Sherloc (09022015). Collection method: clinical testing. Allele origin: germline.
Comment: This sequence change replaces serine, which is neutral and polar, with alanine, which is neutral and non-polar, at codon 102 of the TMEM43 protein (p.Ser102Ala). This variant is not present in population databases (gnomAD no frequency). This variant has not been reported in the literature in individuals affected with TMEM43-related conditions. ClinVar contains an entry for this variant (Variation ID: 1799260). Invitae Evidence Modeling of protein sequence and biophysical properties (such as structural, functional, and spatial information, amino acid conservation, physicochemical variation, residue mobility, and thermodynamic stability) indicates that this missense variant is not expected to disrupt TMEM43 protein function with a negative predictive value of 80%. In summary, the available evidence is currently insufficient to determine the role of this variant in disease. Therefore, it has been classified as a Variant of Uncertain Significance.

Color Diagnostics, LLC DBA Color Health
Classification: Uncertain significance for Cardiomyopathy. Last evaluated: 2024-03-06. Review status: criteria provided, single submitter. Criteria: ACMG Guidelines, 2015. Collection method: clinical testing. Allele origin: germline.
Comment: This missense variant replaces serine with alanine at codon 102 of the TMEM43 protein. Computational prediction suggests that this variant may not impact protein structure and function (internally defined REVEL score threshold <= 0.5, PMID: 27666373). To our knowledge, functional studies have not been reported for this variant. This variant has not been reported in individuals affected with cardiovascular disorders in the literature. This variant has not been identified in the general population by the Genome Aggregation Database (gnomAD). The available evidence is insufficient to determine the role of this variant in disease conclusively. Therefore, this variant is classified as a Variant of Uncertain Significance.

Ambry Genetics
Classification: Uncertain significance for Cardiovascular phenotype. Last evaluated: 2020-10-03. Review status: criteria provided, single submitter. Criteria: Ambry Variant Classification Scheme 2023. Collection method: clinical testing. Allele origin: germline.
Comment: The p.S102A variant (also known as c.304T>G), located in coding exon 4 of the TMEM43 gene, results from a T to G substitution at nucleotide position 304. The serine at codon 102 is replaced by alanine, an amino acid with similar properties. This amino acid position is not well conserved in available vertebrate species. In addition, this alteration is predicted to be tolerated by in silico analysis. Since supporting evidence is limited at this time, the clinical significance of this alteration remains unclear.

NM_024334.3(TMEM43):c.304T>G (p.Ser102Ala)

Gene: TMEM43 (transmembrane protein 43; plus strand). Cytogenetic location: 3p25.1.
Variant type: single nucleotide variant.
Coding change: c.304T>G on transcript NM_024334.3 (MANE Select); coding-DNA position 304, T replaced by G.
Protein change: p.Ser102Ala; replaces serine 102 with alanine.
Molecular consequence: missense variant.
Genome position (GRCh38, 1-based): chr3:14,131,586, T>G. VCF-style: chr3-14131586-T-G. GRCh37 (hg19) VCF-style: chr3-14173086-T-G.
Other names: c.304T>G, p.Ser102Ala (NM_001407274.1, NM_001407275.1, NM_001407276.1 and 2 more transcripts); c.289T>G, p.Ser97Ala (NM_001407278.1); c.154T>G, p.Ser52Ala (NM_001407280.1); short protein forms S102A, S97A, S52A.
Identifiers: ClinVar variation 1799260 (VCV001799260.6), dbSNP rs2470181450, ClinGen allele CA351534769.